The following is an entry in ClinVar:

ClinVar aggregate classification (germline): Likely benign. Review status: criteria provided, multiple submitters, no conflicts (2 of 4 stars). 4 submissions from 4 submitters: Likely benign (4). Last evaluated 2025-09-14.

Conditions:
Cardiovascular phenotype. Identifiers: MedGen CN230736.
Dilated cardiomyopathy 1JJ (CMD1JJ). Identifiers: Orphanet 154, MedGen C3808935, MONDO:0014095, OMIM 615235.

Allele frequency attached by ClinVar (database versions not stated): gnomAD 0.00003; TOPMed 0.00009.
gnomAD v4.1: 90 of 1,612,562 alleles (0.0056%); highest among the groups gnomAD compares: Middle Eastern, 0.016%; no homozygotes.

Submissions (4):

Women's Health and Genetics/Laboratory Corporation of America, LabCorp
Classification: Likely benign. Last evaluated: 2025-09-14. Review status: criteria provided, single submitter. Criteria: LabCorp Variant Classification Summary - May 2015. Collection method: clinical testing. Allele origin: germline.

Labcorp Genetics (formerly Invitae), Labcorp
Classification: Likely benign for Dilated cardiomyopathy 1JJ. Last evaluated: 2025-06-15. Review status: criteria provided, single submitter. Criteria: Invitae Variant Classification Sherloc (09022015). Collection method: clinical testing. Allele origin: germline.

Ambry Genetics
Classification: Likely benign for Cardiovascular phenotype. Last evaluated: 2024-09-26. Review status: criteria provided, single submitter. Criteria: Ambry Variant Classification Scheme 2023. Collection method: clinical testing. Allele origin: germline.

Laboratory for Molecular Medicine, Mass General Brigham Personalized Medicine
Classification: Likely benign. Last evaluated: 2015-02-19. Review status: criteria provided, single submitter. Criteria: LMM Criteria. Collection method: clinical testing. Allele origin: germline. Observed: 1 variant allele.
Comment: p.Ala326Thr in exon 9 of LAMA4: This variant is not expected to have clinical si gnificance due to a lack of conservation across species, including mammals. Of note, guinea gibbon, prairie vole, Chinese hamster, golden hamster, mouse, and r at have a threonine (Thr) residue at this position despite high nearby amino aci d sequence conservation. In addition, computational prediction tools do not sug gest a high likelihood of impact to the protein.

NM_001105206.3(LAMA4):c.997G>A (p.Ala333Thr)

Gene: LAMA4 (laminin subunit alpha 4; minus strand). Cytogenetic location: 6q21.
Variant type: single nucleotide variant.
Coding change: c.997G>A on transcript NM_001105206.3 (MANE Select); coding-DNA position 997, G replaced by A.
Protein change: p.Ala333Thr; replaces alanine 333 with threonine.
Molecular consequence: missense variant.
Genome position (GRCh38, 1-based): chr6:112,185,317, C>T on the plus strand (G>A on the coding strand, the complement: LAMA4 is on the minus strand). VCF-style: chr6-112185317-C-T. GRCh37 (hg19) VCF-style: chr6-112506519-C-T.
Other names: c.976G>A, p.Ala326Thr (NM_001105207.3, NM_002290.5); short protein forms A326T, A333T.
Identifiers: ClinVar variation 227482 (VCV000227482.18), dbSNP rs576711704, ClinGen allele CA3965926.